The following is an entry in ClinVar:

ClinVar aggregate classification (germline): Benign/Likely benign. Review status: criteria provided, multiple submitters, no conflicts (2 of 4 stars). 5 submissions from 5 submitters: Benign (3); Likely benign (2). Last evaluated 2026-02-01.

Allele frequency attached by ClinVar (database versions not stated): gnomAD exomes 0.00102; ExAC 0.00129; ESP Exome Variant Server 0.00409; 1000 Genomes Project 0.00419; 1000 Genomes Project 30x 0.00422; gnomAD 0.00444 and 0.00478; TOPMed 0.00509.
gnomAD v4.1: 1,470 of 1,613,986 alleles (0.091%); highest among the groups gnomAD compares: African/African-American, 1.6%; 7 homozygotes.

Submissions (5):

Labcorp Genetics (formerly Invitae), Labcorp
Classification: Benign. Last evaluated: 2026-02-01. Review status: criteria provided, single submitter. Criteria: Invitae Variant Classification Sherloc (09022015). Collection method: clinical testing. Allele origin: germline.

Mayo Clinic Laboratories, Mayo Clinic
Classification: Likely benign. Last evaluated: 2025-02-24. Review status: criteria provided, single submitter. Criteria: ACMG Guidelines, 2015. Collection method: clinical testing. Allele origin: germline. Observed: 1 variant allele.
Comment: BS1

Blueprint Genetics
Classification: Likely benign. Last evaluated: 2024-11-13. Review status: criteria provided, single submitter. Criteria: ACMG Guidelines, 2015. Collection method: clinical testing. Allele origin: germline.

Genetic Services Laboratory, University of Chicago
Classification: Benign. Last evaluated: 2018-08-24. Review status: criteria provided, single submitter. Criteria: ACMG Guidelines, 2015. Collection method: clinical testing. Allele origin: germline. Affected: no.

Breakthrough Genomics
Classification: Benign. Review status: criteria provided, single submitter. Criteria: ACMG Guidelines, 2015. Collection method: not provided. Allele origin: germline. Inheritance: Autosomal recessive inheritance. Affected: yes.

Literature cited by the submitters: PubMed 31308072 (cited by Mayo Clinic Laboratories, Mayo Clinic).

NM_025074.7(FRAS1):c.10312G>A (p.Val3438Met)

Gene: FRAS1 (Fraser extracellular matrix complex subunit 1; plus strand). Cytogenetic location: 4q21.21.
Variant type: single nucleotide variant.
Coding change: c.10312G>A on transcript NM_025074.7 (MANE Select); coding-DNA position 10312, G replaced by A.
Protein change: p.Val3438Met; replaces valine 3438 with methionine.
Molecular consequence: missense variant.
Genome position (GRCh38, 1-based): chr4:78,515,936, G>A. VCF-style: chr4-78515936-G-A. GRCh37 (hg19) VCF-style: chr4-79437090-G-A.
Other names: p.Val3438Met; short protein forms V3438M.
Identifiers: ClinVar variation 702045 (VCV000702045.16), dbSNP rs34063631, ClinGen allele CA2978921.